The following is an entry in ClinVar:

NM_001042492.3(NF1):c.3496+6A>C

Gene: NF1 (neurofibromin 1; plus strand). Cytogenetic location: 17q11.2.
Variant type: single nucleotide variant.
Coding change: c.3496+6A>C on transcript NM_001042492.3 (MANE Select); 6 bases into the intron after coding-DNA position 3496, A replaced by C.
Molecular consequence: intron variant.
Genome position (GRCh38, 1-based): chr17:31,232,887, A>C. VCF-style: chr17-31232887-A-C. GRCh37 (hg19) VCF-style: chr17-29559905-A-C.
Other names: c.3496+6A>C (NM_000267.4).
Identifiers: ClinVar variation 1494072 (VCV001494072.6), dbSNP rs2151434908, ClinGen allele CA2564962194.
Genomic context (GRCh38, chr17:31,232,887, plus strand): 5'-GCAATGTCAAACTTACTCAATGCCAACGTAGACAGTGGTCTCATGCACTCCATAGGTGAG[A>C]TCAAATGAAAGTTTCATATAGAAATACAAAACCTAGAGAACTGGCATGTAAGAGAAGCAA-3'

ClinVar aggregate classification (germline): Uncertain significance (1 of 4 stars; one submission).

Conditions:
Neurofibromatosis, type 1 (NF1). Also called: NEUROFIBROMATOSIS, TYPE I, SOMATIC; Neurofibromatosis, type I; VON RECKLINGHAUSEN DISEASE; Peripheral type neurofibromatosis. Identifiers: Orphanet 636, MedGen C0027831, MONDO:0018975, OMIM 162200. Disease mechanism: loss of function.

Submission:

Labcorp Genetics (formerly Invitae), Labcorp
Classification: Uncertain significance for Neurofibromatosis, type 1. Last evaluated: 2020-12-16. Review status: criteria provided, single submitter. Criteria: Invitae Variant Classification Sherloc (09022015). Collection method: clinical testing. Allele origin: germline.
Comment: In summary, the available evidence is currently insufficient to determine the role of this variant in disease. Therefore, it has been classified as a Variant of Uncertain Significance. Nucleotide substitutions within the consensus splice site are a relatively common cause of aberrant splicing (PMID: 17576681, 9536098). Algorithms developed to predict the effect of sequence changes on RNA splicing suggest that this variant is not likely to affect RNA splicing, but this prediction has not been confirmed by published transcriptional studies. This variant has not been reported in the literature in individuals with NF1-related conditions. This variant is not present in population databases (ExAC no frequency). This sequence change falls in intron 26 of the NF1 gene. It does not directly change the encoded amino acid sequence of the NF1 protein. It affects a nucleotide within the consensus splice site of the intron.

Literature cited by the submitters: PubMed 17576681; PubMed 9536098.